The following is an entry in ClinVar:

ClinVar aggregate classification (germline): Uncertain significance (1 of 4 stars; one submission).

Conditions:
Pityriasis rubra pilaris (PRP). Also called: Pityriasis rubra pilaris--familial type. Identifiers: Orphanet 2897, MedGen C0032027, MONDO:0100017, OMIM 173200, MONDO:0008251.
Psoriasis 2. Identifiers: MedGen C1864497, MONDO:0011269, OMIM 602723.

Submission:

Labcorp Genetics (formerly Invitae), Labcorp
Classification: Uncertain significance for Pityriasis rubra pilaris; Psoriasis 2. Last evaluated: 2024-05-23. Review status: criteria provided, single submitter. Criteria: Invitae Variant Classification Sherloc (09022015). Collection method: clinical testing. Allele origin: germline.
Comment: This sequence change replaces aspartic acid, which is acidic and polar, with glutamic acid, which is acidic and polar, at codon 619 of the CARD14 protein (p.Asp619Glu). This variant is not present in population databases (gnomAD no frequency). This variant has not been reported in the literature in individuals affected with CARD14-related conditions. Advanced modeling of protein sequence and biophysical properties (such as structural, functional, and spatial information, amino acid conservation, physicochemical variation, residue mobility, and thermodynamic stability) performed at Invitae indicates that this missense variant is not expected to disrupt CARD14 protein function with a negative predictive value of 80%. In summary, the available evidence is currently insufficient to determine the role of this variant in disease. Therefore, it has been classified as a Variant of Uncertain Significance.

NM_001366385.1(CARD14):c.1857T>A (p.Asp619Glu)

Genes: SGSH (N-sulfoglucosamine sulfohydrolase; minus strand), CARD14 (caspase recruitment domain family member 14; plus strand). Cytogenetic location: 17q25.3.
Variant type: single nucleotide variant.
Coding change: c.1857T>A on transcript NM_001366385.1 (MANE Select); coding-DNA position 1857, T replaced by A.
Protein change: p.Asp619Glu; replaces aspartic acid 619 with glutamic acid.
Molecular consequence: missense variant. On other transcripts: non-coding transcript variant (1).
Genome position (GRCh38, 1-based): chr17:80,201,749, T>A. VCF-style: chr17-80201749-T-A. GRCh37 (hg19) VCF-style: chr17-78175548-T-A.
Other names: c.1857T>A, p.Asp619Glu (NM_001257970.1, NM_024110.4); short protein forms D619E.
Identifiers: ClinVar variation 3756518 (VCV003756518.2).